The following is an entry in ClinVar:

NM_000059.4(BRCA2):c.9291T>A (p.Cys3097Ter)

Gene: BRCA2 (BRCA2 DNA repair associated; plus strand). Cytogenetic location: 13q13.1.
Variant type: single nucleotide variant.
Coding change: c.9291T>A on transcript NM_000059.4 (MANE Select); coding-DNA position 9291, T replaced by A.
Protein change: p.Cys3097Ter; replaces cysteine 3097 with a stop codon.
Molecular consequence: nonsense.
Genome position (GRCh38, 1-based): chr13:32,394,723, T>A. VCF-style: chr13-32394723-T-A. GRCh37 (hg19) VCF-style: chr13-32968860-T-A.
Other names: short protein forms C3097*.
Identifiers: ClinVar variation 52807 (VCV000052807.8), dbSNP rs397508044, ClinGen allele CA026091.

ClinVar aggregate classification (germline): Pathogenic. Review status: reviewed by expert panel (3 of 4 stars). 4 submissions from 4 submitters: Pathogenic (1). 3 of the submissions do not count toward it. Last evaluated 2017-12-15.

Conditions:
Hereditary breast ovarian cancer syndrome. Also called: Hereditary breast and ovarian cancer syndrome; Hereditary breast and ovarian cancer; Hereditary breast and ovarian cancer syndrome (HBOC); Breast and ovarian cancer; Hereditary breast and/or ovarian cancer syndrome; BRCA1- and BRCA2-Associated Hereditary Breast and Ovarian Cancer. Identifiers: Orphanet 145, MedGen C0677776, MeSH D061325, MONDO:0003582. Disease mechanism: loss of function.
Familial cancer of breast. Also called: BREAST CANCER, FAMILIAL; Hereditary breast cancer; hereditary breast carcinoma. Identifiers: Orphanet 227535, MedGen C0346153, MONDO:0016419, OMIM 114480. Disease mechanism: loss of function.
Breast-ovarian cancer, familial, susceptibility to, 2 (BROVCA2). Also called: BRCA2 Hereditary Breast and Ovarian Cancer. Identifiers: Orphanet 145, MedGen C2675520, MONDO:0012933, OMIM 612555. Disease mechanism: loss of function.

Submissions (4):

Evidence-based Network for the Interpretation of Germline Mutant Alleles (ENIGMA)
Classification: Pathogenic for Breast-ovarian cancer, familial, susceptibility to, 2. Last evaluated: 2017-12-15. Review status: reviewed by expert panel. Criteria: ENIGMA BRCA1/2 Classification Criteria (2017-06-29). Collection method: curation. Allele origin: germline. Study: ENIGMA.
Comment: Variant allele predicted to encode a truncated non-functional protein.

Labcorp Genetics (formerly Invitae), Labcorp
Classification: Pathogenic for Hereditary breast ovarian cancer syndrome. Last evaluated: 2024-11-12. Review status: criteria provided, single submitter. Criteria: Invitae Variant Classification Sherloc (09022015). Collection method: clinical testing. Allele origin: germline. Not counted in ClinVar's aggregate classification.
Comment: This sequence change creates a premature translational stop signal (p.Cys3097*) in the BRCA2 gene. It is expected to result in an absent or disrupted protein product. Loss-of-function variants in BRCA2 are known to be pathogenic (PMID: 20104584). This variant is not present in population databases (gnomAD no frequency). This premature translational stop signal has been observed in individual(s) with ovarian cancer (PMID: 22006311). This variant is also known as c.9519T>A. ClinVar contains an entry for this variant (Variation ID: 52807). For these reasons, this variant has been classified as Pathogenic.

Quest Diagnostics Nichols Institute San Juan Capistrano
Classification: Pathogenic. Last evaluated: 2023-06-06. Review status: criteria provided, single submitter. Criteria: Quest Diagnostics criteria. Collection method: clinical testing. Allele origin: unknown. Not counted in ClinVar's aggregate classification.
Comment: The BRCA2 c.9291T>A (p.Cys3097*) variant causes the premature termination of BRCA2 protein synthesis. This variant has not been reported in large, multi-ethnic general populations (Genome Aggregation Database). Based on the available information, this variant is classified as pathogenic.

ClinVar Staff, National Center for Biotechnology Information (NCBI)
No classification provided. Condition: Familial cancer of breast. Review status: no classification provided. Collection method: literature only. Allele origin: germline. Affected: yes. Not counted in ClinVar's aggregate classification.

Literature cited by the submitters: PubMed 20104584 (cited by Labcorp Genetics (formerly Invitae), Labcorp); PubMed 22006311 (cited by 3 submitters); PubMed 33754277 (cited by Quest Diagnostics Nichols Institute San Juan Capistrano); PubMed 31209999 (cited by Quest Diagnostics Nichols Institute San Juan Capistrano).